The following is an entry in ClinVar:

ClinVar aggregate classification (germline): Uncertain significance. Review status: criteria provided, multiple submitters, no conflicts (2 of 4 stars). 4 submissions from 2 submitters: Uncertain significance (4). Last evaluated 2026-06-15.

Conditions:
Thrombophilia due to thrombin defect (THPH1). Also called: Thrombosis susceptibility; THROMBOPHILIA DUE TO FACTOR 2 DEFECT; Prothrombin-Related Thrombophilia (Factor II); Prothrombin Thrombophilia. Identifiers: MedGen C3160733, MONDO:0008559, OMIM 188050. Disease mechanism: gain of function, loss of function.
Factor V deficiency. Also called: Reduced coagulation factor V activity. Identifiers: Orphanet 326, MedGen C4317320, MONDO:0020586, HP:0003225.
F5-related disorder. Also called: F5-related condition.
Budd-Chiari syndrome (BDCHS). Also called: Hepatic vein obstruction. Identifiers: Orphanet 131, MedGen C0856761, MONDO:0010947, OMIM 600880, HP:0002639.

Allele frequency attached by ClinVar (database versions not stated): gnomAD 0.00001; ExAC 0.00003; gnomAD exomes 0.00003 and 0.00004; TOPMed 0.00003.
gnomAD v4.1: 49 of 1,613,662 alleles (0.003%); highest among the groups gnomAD compares: Admixed American, 0.0083%; no homozygotes.

Submissions (4):

PreventionGenetics, part of Exact Sciences
Classification: Uncertain significance for F5-related condition. Last evaluated: 2026-06-15. Review status: criteria provided, single submitter. Criteria: ACMG Guidelines, 2015. Collection method: clinical testing. Allele origin: germline.
Comment: The F5 c.6298C>T variant is predicted to result in the amino acid substitution p.Arg2100Cys. To our knowledge, this variant has not been reported in individuals with F5-related conditions. This variant is reported in 0.0065% of alleles in individuals of South Asian descent in gnomAD. At this time, the clinical significance of this variant is uncertain due to the absence of conclusive functional and genetic evidence.

Illumina Laboratory Services, Illumina
Classification: Uncertain significance for Budd-Chiari syndrome. Last evaluated: 2018-01-13. Review status: criteria provided, single submitter. Criteria: ICSL Variant Classification Criteria 13 December 2019. Collection method: clinical testing. Allele origin: germline.

Illumina Laboratory Services, Illumina
Classification: Uncertain significance for Congenital factor V deficiency. Last evaluated: 2018-01-13. Review status: criteria provided, single submitter. Criteria: ICSL Variant Classification Criteria 13 December 2019. Collection method: clinical testing. Allele origin: germline.

Illumina Laboratory Services, Illumina
Classification: Uncertain significance for Venous thrombosis. Last evaluated: 2018-01-13. Review status: criteria provided, single submitter. Criteria: ICSL Variant Classification Criteria 13 December 2019. Collection method: clinical testing. Allele origin: germline.

NM_000130.5(F5):c.6298C>T (p.Arg2100Cys)

Gene: F5 (coagulation factor V; minus strand). Cytogenetic location: 1q24.2.
Variant type: single nucleotide variant.
Coding change: c.6298C>T on transcript NM_000130.5 (MANE Select); coding-DNA position 6298, C replaced by T.
Protein change: p.Arg2100Cys; replaces arginine 2100 with cysteine.
Molecular consequence: missense variant.
Genome position (GRCh38, 1-based): chr1:169,518,459, G>A on the plus strand (C>T on the coding strand, the complement: F5 is on the minus strand). VCF-style: chr1-169518459-G-A. GRCh37 (hg19) VCF-style: chr1-169487697-G-A.
Other names: short protein forms R2100C.
Identifiers: ClinVar variation 875604 (VCV000875604.5), dbSNP rs775843029, ClinGen allele CA1233272.